The following is an entry in ClinVar:

ClinVar aggregate classification (germline): Conflicting classifications of pathogenicity. Review status: criteria provided, conflicting classifications (1 of 4 stars). 13 submissions from 13 submitters: Uncertain significance (12); Likely benign (1). Last evaluated 2025-10-16.

Conditions:
DSP-related disorder. Also called: DSP-related condition; DSP-related disorders.
Cardiovascular phenotype. Identifiers: MedGen CN230736.
Woolly hair-skin fragility syndrome (WHSF). Identifiers: Orphanet 293165, MedGen C1843292, MONDO:0957307, OMIM 620415.
Arrhythmogenic right ventricular dysplasia 8 (ARVD8). Also called: Arrhythmogenic Right Ventricular Dysplasia/Cardiomyopathy 8; ARRHYTHMOGENIC RIGHT VENTRICULAR DYSPLASIA, FAMILIAL, 8; ARRHYTHMOGENIC RIGHT VENTRICULAR CARDIOMYOPATHY 8. Identifiers: MedGen C1843896, MONDO:0011831, OMIM 607450.
Arrhythmogenic cardiomyopathy with wooly hair and keratoderma. Also called: Carvajal syndrome; Dilated cardiomyopathy with woolly hair and keratoderma; Arrhythmogenic cardiomyopathy with woolly hair and keratoderma; PALMOPLANTAR KERATODERMA WITH LEFT VENTRICULAR CARDIOMYOPATHY AND WOOLLY HAIR. Identifiers: Orphanet 65282, MedGen C1854063, MONDO:0011581, OMIM 605676.
Keratosis palmoplantaris striata 2. Also called: KERATODERMA, PALMOPLANTAR, STRIATE FORM II; STRIATE PALMOPLANTAR KERATODERMA II; Keratosis palmoplantaris striata II. Identifiers: MedGen C1852127, MONDO:0013034, OMIM 612908.
Cardiomyopathy, dilated, with wooly hair, keratoderma, and tooth agenesis. Also called: Cardiomyopathy, dilated, with woolly hair, keratoderma, and tooth agenesis; Erythrokeratodermia-cardiomyopathy syndrome. Identifiers: Orphanet 476096, Orphanet 65282, MedGen C4014393, MONDO:0014355, OMIM 615821.
Lethal acantholytic epidermolysis bullosa (EBLA). Identifiers: Orphanet 158687, MedGen C1864826, MONDO:0012323, OMIM 609638.
Cardiomyopathy (CMYO). Also called: Cardiomyopathies. Identifiers: Orphanet 167848, MedGen C0878544, MONDO:0004994, HP:0001638. Inheritance: Various modes of inheritance.

Allele frequency attached by ClinVar (database versions not stated): gnomAD 0.00001; gnomAD exomes 0.00001 and 0.00002; TOPMed 0.00003.
gnomAD v4.1: 14 of 1,614,014 alleles (0.00087%); highest among the groups gnomAD compares: Admixed American, 0.0033%; no homozygotes.

Submissions (13):

PreventionGenetics, part of Exact Sciences
Classification: Uncertain significance for DSP-related condition. Last evaluated: 2025-10-16. Review status: criteria provided, single submitter. Criteria: ACMG Guidelines, 2015. Collection method: clinical testing. Allele origin: germline.
Comment: The DSP c.7924G>A variant is predicted to result in the amino acid substitution p.Val2642Ile. This variant was reported in at least one affected individual with hypertrophic or dilated cardiomyopathy, although additional functional or genetic evidence that could help establish pathogenicity was not provided (Table S7, Mazzarotto et al. 2020. PubMed ID: 31983221; Table S9, McGurk et al. 2023. PubMed ID: 37652022). This variant is reported in 0.0054% of alleles in individuals of East Asian descent in gnomAD. At this time, the clinical significance of this variant is uncertain due to the absence of conclusive functional and genetic evidence.

Labcorp Genetics (formerly Invitae), Labcorp
Classification: Likely benign for Arrhythmogenic cardiomyopathy with wooly hair and keratoderma; Arrhythmogenic right ventricular dysplasia 8. Last evaluated: 2025-10-14. Review status: criteria provided, single submitter. Criteria: Invitae Variant Classification Sherloc (09022015). Collection method: clinical testing. Allele origin: germline.

Ambry Genetics
Classification: Uncertain significance for Cardiovascular phenotype. Last evaluated: 2025-10-01. Review status: criteria provided, single submitter. Criteria: Ambry Variant Classification Scheme 2023. Collection method: clinical testing. Allele origin: germline.
Comment: The p.V2642I variant (also known as c.7924G>A), located in coding exon 24 of the DSP gene, results from a G to A substitution at nucleotide position 7924. The valine at codon 2642 is replaced by isoleucine, an amino acid with highly similar properties. This alteration has been reported in a dilated cardiomyopathy (DCM) cohort; however, clinical details were limited (Mazzarotto F et al. Circulation, 2020 Feb;141:387-398). This amino acid position is highly conserved in available vertebrate species. In addition, this alteration is predicted to be tolerated by in silico analysis. Since supporting evidence is limited at this time, the clinical significance of this alteration remains unclear.

Clinical Genomics Laboratory, Washington University in St. Louis
Classification: Uncertain significance for Arrhythmogenic right ventricular dysplasia 8. Last evaluated: 2025-04-15. Review status: criteria provided, single submitter. Criteria: ACMG Guidelines, 2015. Collection method: clinical testing. Allele origin: germline.
Comment: The DSP c.7924G>A (p.Val2642Ile) variant has been reported in an individual suspected to have dilated cardiomyopathy but no clinical information was provided (Mazzarotto F et al., PMID: 31983221). This variant is only observed on 14 out of 1,614,014 alleles in the general population (gnomAD v4.1.1), indicating it is not a common variant. Computational predictors suggest that the variant does not impact DSP function. This variant has been reported in the ClinVar database as a germline variant of uncertain significance by 10 submitters and likely benign by one submitter (Variation ID: 222587). Due to limited information, and based on ACMG/AMP guidelines for variant interpretation (Richards S et al., PMID: 25741868), the clinical significance of this variant is uncertain at this time.

Molecular Diagnostic Laboratory for Inherited Cardiovascular Disease, Montreal Heart Institute
Classification: Uncertain significance for Cardiovascular phenotype. Last evaluated: 2025-02-17. Review status: criteria provided, single submitter. Criteria: ACMG Guidelines, 2015. Collection method: clinical testing. Allele origin: germline. Affected: yes.

All of Us Research Program, National Institutes of Health
Classification: Uncertain significance for Arrhythmogenic cardiomyopathy with wooly hair and keratoderma. Last evaluated: 2024-08-06. Review status: criteria provided, single submitter. Criteria: ACMG Guidelines, 2015. Collection method: clinical testing. Allele origin: germline. Inheritance: Autosomal dominant inheritance. Observed: 7 variant alleles, 7 heterozygotes.
Comment: This missense variant replaces valine with isoleucine at codon 2642 of the DSP protein. Computational prediction suggests that this variant may not impact protein structure and function (internally defined REVEL score threshold <= 0.5, PMID: 27666373). To our knowledge, functional studies have not been reported for this variant. This variant has not been reported in individuals affected with cardiovascular disorders in the literature. This variant has been identified in 4/250910 chromosomes in the general population by the Genome Aggregation Database (gnomAD). The available evidence is insufficient to determine the role of this variant in disease conclusively. Therefore, this variant is classified as a Variant of Uncertain Significance.

This study involves interpretation of variants in research participants for the purpose of population health screening. Participant phenotype was not available at the time of variant classification. Additional details can be found in publication PMID: 35346344, PMCID: PMC8962531

Color Diagnostics, LLC DBA Color Health
Classification: Uncertain significance for Cardiomyopathy. Last evaluated: 2024-05-06. Review status: criteria provided, single submitter. Criteria: ACMG Guidelines, 2015. Collection method: clinical testing. Allele origin: germline.
Comment: This missense variant replaces valine with isoleucine at codon 2642 of the DSP protein. Computational prediction suggests that this variant may not impact protein structure and function (internally defined REVEL score threshold <= 0.5, PMID: 27666373). To our knowledge, functional studies have not been reported for this variant. This variant has not been reported in individuals affected with cardiovascular disorders in the literature. This variant has been identified in 4/250910 chromosomes in the general population by the Genome Aggregation Database (gnomAD). The available evidence is insufficient to determine the role of this variant in disease conclusively. Therefore, this variant is classified as a Variant of Uncertain Significance.

Women's Health and Genetics/Laboratory Corporation of America, LabCorp
Classification: Uncertain significance. Last evaluated: 2023-02-13. Review status: criteria provided, single submitter. Criteria: LabCorp Variant Classification Summary - May 2015. Collection method: clinical testing. Allele origin: germline.

CHEO Genetics Diagnostic Laboratory, Children's Hospital of Eastern Ontario
Classification: Uncertain significance for Cardiomyopathy. Last evaluated: 2021-11-16. Review status: criteria provided, single submitter. Criteria: ACMG Guidelines, 2015. Collection method: clinical testing. Allele origin: germline.

Fulgent Genetics
Classification: Uncertain significance for Arrhythmogenic cardiomyopathy with wooly hair and keratoderma; Arrhythmogenic right ventricular dysplasia 8; Lethal acantholytic epidermolysis bullosa; Keratosis palmoplantaris striata 2; Cardiomyopathy, dilated, with wooly hair, keratoderma, and tooth agenesis. Last evaluated: 2021-10-11. Review status: criteria provided, single submitter. Criteria: ACMG Guidelines, 2015. Collection method: clinical testing. Allele origin: unknown.

Blueprint Genetics
Classification: Uncertain significance. Last evaluated: 2021-07-09. Review status: criteria provided, single submitter. Criteria: ACMG Guidelines, 2015. Collection method: clinical testing. Allele origin: germline.

GeneDx
Classification: Uncertain significance. Last evaluated: 2019-04-02. Review status: criteria provided, single submitter. Criteria: GeneDx Variant Classification Process June 2021. Collection method: clinical testing. Allele origin: germline. Affected: yes.
Comment: Has not been previously published as pathogenic or benign to our knowledge; In silico analysis, which includes protein predictors and evolutionary conservation, supports that this variant does not alter protein structure/function; Not observed at a significant frequency in large population cohorts (Lek et al., 2016); Reported in ClinVar but additional evidence is not available (ClinVar Variant ID 222587; Landrum et al., 2016)

Laboratory for Molecular Medicine, Mass General Brigham Personalized Medicine
Classification: Uncertain significance. Last evaluated: 2015-03-04. Review status: criteria provided, single submitter. Criteria: LMM Criteria. Collection method: clinical testing. Allele origin: germline. Observed: 1 variant allele.
Comment: The p.Val2642Ile variant in DSP has not been previously identified in individual s with cardiomyopathy or in large population studies. Computational prediction t ools and conservation analysis does not provide strong evidence for or against a n impact the protein. In summary, the clinical significance of the p.Val2642Ile variant is uncertain.

Literature cited by the submitters: PubMed 31983221 (cited by Ambry Genetics).

NM_004415.4(DSP):c.7924G>A (p.Val2642Ile)

Gene: DSP (desmoplakin; plus strand). Cytogenetic location: 6p24.3.
Variant type: single nucleotide variant.
Coding change: c.7924G>A on transcript NM_004415.4 (MANE Select); coding-DNA position 7924, G replaced by A.
Protein change: p.Val2642Ile; replaces valine 2642 with isoleucine.
Molecular consequence: missense variant.
Genome position (GRCh38, 1-based): chr6:7,585,186, G>A. VCF-style: chr6-7585186-G-A. GRCh37 (hg19) VCF-style: chr6-7585419-G-A.
Other names: c.7924G>A (NM_004415.3); c.6127G>A, p.Val2043Ile (NM_001008844.3); c.6595G>A, p.Val2199Ile (NM_001319034.2); short protein forms V2642I, V2043I, V2199I.
Identifiers: ClinVar variation 222587 (VCV000222587.30), dbSNP rs869025397, ClinGen allele CA351806.